The following is an entry in ClinVar:

NM_012431.3(SEMA3E):c.610C>G (p.Arg204Gly)

Gene: SEMA3E (semaphorin 3E; minus strand). Cytogenetic location: 7q21.11.
Variant type: single nucleotide variant.
Coding change: c.610C>G on transcript NM_012431.3 (MANE Select); coding-DNA position 610, C replaced by G.
Protein change: p.Arg204Gly; replaces arginine 204 with glycine.
Molecular consequence: missense variant.
Genome position (GRCh38, 1-based): chr7:83,408,428, G>C on the plus strand (C>G on the coding strand, the complement: SEMA3E is on the minus strand). VCF-style: chr7-83408428-G-C. GRCh37 (hg19) VCF-style: chr7-83037744-G-C.
Other names: c.430C>G, p.Arg144Gly (NM_001178129.2); short protein forms R144G, R204G.
Identifiers: ClinVar variation 4753555 (VCV004753555.1).

ClinVar aggregate classification (germline): Uncertain significance (1 of 4 stars; one submission).

Conditions:
CHARGE syndrome (CHARGE). Also called: Hittner Hirsch Kreh syndrome; CHARGE ASSOCIATION--COLOBOMA, HEART ANOMALY, CHOANAL ATRESIA, RETARDATION, GENITAL AND EAR ANOMALIES; Coloboma, heart anomaly, choanal atresia, retardation, genital and ear anomalies; CHARGE association; Hall-Hittner syndrome. Identifiers: Orphanet 138, MedGen C0265354, MONDO:0008965.

gnomAD v4.1: 16 of 1,613,598 alleles (0.00099%); highest among the groups gnomAD compares: Admixed American, 0.0017%; no homozygotes.

Submission:

Labcorp Genetics (formerly Invitae), Labcorp
Classification: Uncertain significance for CHARGE syndrome. Last evaluated: 2025-09-04. Review status: criteria provided, single submitter. Criteria: Invitae Variant Classification Sherloc (09022015). Collection method: clinical testing. Allele origin: germline.
Comment: This sequence change replaces arginine, which is basic and polar, with glycine, which is neutral and non-polar, at codon 204 of the SEMA3E protein (p.Arg204Gly). This variant is present in population databases (rs376411187, gnomAD 0.003%). This variant has not been reported in the literature in individuals affected with SEMA3E-related conditions. Invitae Evidence Modeling of protein sequence and biophysical properties (such as structural, functional, and spatial information, amino acid conservation, physicochemical variation, residue mobility, and thermodynamic stability) indicates that this missense variant is expected to disrupt SEMA3E protein function with a positive predictive value of 80%. In summary, the available evidence is currently insufficient to determine the role of this variant in disease. Therefore, it has been classified as a Variant of Uncertain Significance.